The following is an entry in ClinVar:

ClinVar aggregate classification (germline): Uncertain significance (1 of 4 stars; one submission).

Submission:

GeneDx
Classification: Uncertain significance. Last evaluated: 2024-08-07. Review status: criteria provided, single submitter. Criteria: GeneDx Variant Classification Process June 2021. Collection method: clinical testing. Allele origin: germline. Affected: yes.
Comment: Not observed at significant frequency in large population cohorts (gnomAD); In silico analysis indicates that this missense variant does not alter protein structure/function; Has not been previously published as pathogenic or benign to our knowledge

NM_007254.4(PNKP):c.355C>G (p.Pro119Ala)

Gene: PNKP (polynucleotide kinase 3'-phosphatase; minus strand). Cytogenetic location: 19q13.33.
Variant type: single nucleotide variant.
Coding change: c.355C>G on transcript NM_007254.4 (MANE Select); coding-DNA position 355, C replaced by G.
Protein change: p.Pro119Ala; replaces proline 119 with alanine.
Molecular consequence: missense variant.
Genome position (GRCh38, 1-based): chr19:49,865,270, G>C on the plus strand (C>G on the coding strand, the complement: PNKP is on the minus strand). VCF-style: chr19-49865270-G-C. GRCh37 (hg19) VCF-style: chr19-50368527-G-C.
Other names: short protein forms P119A.
Identifiers: ClinVar variation 3730965 (VCV003730965.1).